The following is an entry in ClinVar:

NM_000037.4(ANK1):c.940C>T (p.Gln314Ter)

Gene: ANK1 (ankyrin 1; minus strand). Cytogenetic location: 8p11.21.
Variant type: single nucleotide variant.
Coding change: c.940C>T on transcript NM_000037.4 (MANE Select); coding-DNA position 940, C replaced by T.
Protein change: p.Gln314Ter; replaces glutamine 314 with a stop codon.
Molecular consequence: nonsense.
Genome position (GRCh38, 1-based): chr8:41,719,828, G>A on the plus strand (C>T on the coding strand, the complement: ANK1 is on the minus strand). VCF-style: chr8-41719828-G-A. GRCh37 (hg19) VCF-style: chr8-41577346-G-A.
Other names: c.1039C>T, p.Gln347Ter (NM_001142446.2); c.940C>T, p.Gln314Ter (NM_020475.3, NM_020476.3, NM_020477.3); short protein forms Q314*, Q347*.
Identifiers: ClinVar variation 4723142 (VCV004723142.1).

ClinVar aggregate classification (germline): Pathogenic (1 of 4 stars; one submission).

Submission:

Labcorp Genetics (formerly Invitae), Labcorp
Classification: Pathogenic. Last evaluated: 2025-07-13. Review status: criteria provided, single submitter. Criteria: Invitae Variant Classification Sherloc (09022015). Collection method: clinical testing. Allele origin: germline.
Comment: This sequence change creates a premature translational stop signal (p.Gln314*) in the ANK1 gene. It is expected to result in an absent or disrupted protein product. Loss-of-function variants in ANK1 are known to be pathogenic (PMID: 8640229). This variant is not present in population databases (gnomAD no frequency). This variant has not been reported in the literature in individuals affected with ANK1-related conditions. For these reasons, this variant has been classified as Pathogenic.

Literature cited by the submitters: PubMed 8640229.